The following is an entry in ClinVar:

NM_015272.5(RPGRIP1L):c.302G>A (p.Arg101Gln)

Gene: RPGRIP1L (RPGRIP1 like; minus strand). Cytogenetic location: 16q12.2.
Variant type: single nucleotide variant.
Coding change: c.302G>A on transcript NM_015272.5 (MANE Select); coding-DNA position 302, G replaced by A.
Protein change: p.Arg101Gln; replaces arginine 101 with glutamine.
Molecular consequence: missense variant.
Genome position (GRCh38, 1-based): chr16:53,692,293, C>T on the plus strand (G>A on the coding strand, the complement: RPGRIP1L is on the minus strand). VCF-style: chr16-53692293-C-T. GRCh37 (hg19) VCF-style: chr16-53726205-C-T.
Other names: c.302G>A (NM_015272.2, NM_015272.4); c.302G>A, p.Arg101Gln (NM_001127897.4, NM_001308334.3, NM_001330538.2); short protein forms R101Q.
Identifiers: ClinVar variation 1042176 (VCV001042176.6), dbSNP rs146484603, ClinGen allele CA8058138.

ClinVar aggregate classification (germline): Uncertain significance. Review status: criteria provided, multiple submitters, no conflicts (2 of 4 stars). 5 submissions from 5 submitters: Uncertain significance (4). 1 of the submissions does not count toward it. Last evaluated 2023-06-02.

Conditions:
Joubert syndrome. Also called: JOUBERT-BOLTSHAUSER SYNDROME; Familial aplasia of the vermis. Identifiers: Orphanet 475, MedGen C5979921, MONDO:0018772.
Meckel-Gruber syndrome. Also called: DYSENCEPHALIA SPLANCHNOCYSTICA; GRUBER SYNDROME; Dysencephalia splachnocystica. Identifiers: Orphanet 564, MedGen C0265215, MONDO:0018921.
Joubert syndrome 7 (JBTS7). Identifiers: Orphanet 220497, MedGen C1969053, MONDO:0012694, OMIM 611560.
COACH syndrome 3. Identifiers: MedGen C5436841, MONDO:0030862, OMIM 619113.
Meckel syndrome, type 5 (MKS5). Identifiers: Orphanet 564, MedGen C1969052, MONDO:0012695, OMIM 611561.
RPGRIP1L-related disorder. Also called: RPGRIP1L-related disorders; RPGRIP1L-related condition. Identifiers: MedGen CN239416.

Allele frequency attached by ClinVar (database versions not stated): gnomAD 0.00002; gnomAD exomes 0.00002 and 0.00005; ESP Exome Variant Server 0.00015; TOPMed 0.00001; ExAC 0.00004.
gnomAD v4.1: 80 of 1,613,958 alleles (0.005%); highest among the groups gnomAD compares: Non-Finnish European, 0.0059%; no homozygotes.

Submissions (5):

PreventionGenetics, part of Exact Sciences
Classification: Uncertain significance for RPGRIP1L-related condition. Last evaluated: 2023-06-02. Review status: criteria provided, single submitter. Criteria: ACMG Guidelines, 2015. Collection method: clinical testing. Allele origin: germline.
Comment: The RPGRIP1L c.302G>A variant is predicted to result in the amino acid substitution p.Arg101Gln. To our knowledge, this variant has not been reported in the literature. This variant is reported in 0.0080% of alleles in individuals of African descent in gnomAD. At this time, the clinical significance of this variant is uncertain due to the absence of conclusive functional and genetic evidence.

GeneDx
Classification: Uncertain significance. Last evaluated: 2022-12-16. Review status: criteria provided, single submitter. Criteria: GeneDx Variant Classification Process June 2021. Collection method: clinical testing. Allele origin: germline. Affected: yes.
Comment: Not observed at significant frequency in large population cohorts (gnomAD); In silico analysis supports that this missense variant does not alter protein structure/function; Has not been previously published as pathogenic or benign to our knowledge

Labcorp Genetics (formerly Invitae), Labcorp
Classification: Uncertain significance for Joubert syndrome; Meckel-Gruber syndrome. Last evaluated: 2022-07-05. Review status: criteria provided, single submitter. Criteria: Invitae Variant Classification Sherloc (09022015). Collection method: clinical testing. Allele origin: germline.
Comment: This sequence change replaces arginine, which is basic and polar, with glutamine, which is neutral and polar, at codon 101 of the RPGRIP1L protein (p.Arg101Gln). This variant is present in population databases (rs146484603, gnomAD 0.008%). This variant has not been reported in the literature in individuals affected with RPGRIP1L-related conditions. ClinVar contains an entry for this variant (Variation ID: 1042176). Algorithms developed to predict the effect of missense changes on protein structure and function are either unavailable or do not agree on the potential impact of this missense change (SIFT: "Deleterious"; PolyPhen-2: "Possibly Damaging"; Align-GVGD: "Class C0"). In summary, the available evidence is currently insufficient to determine the role of this variant in disease. Therefore, it has been classified as a Variant of Uncertain Significance.

Fulgent Genetics
Classification: Uncertain significance for Joubert syndrome 7; Meckel syndrome, type 5; COACH syndrome 3. Last evaluated: 2021-12-14. Review status: criteria provided, single submitter. Criteria: ACMG Guidelines, 2015. Collection method: clinical testing. Allele origin: unknown.

Natera, Inc.
Classification: Uncertain significance for Joubert syndrome. Last evaluated: 2020-07-01. Review status: no assertion criteria provided. Collection method: clinical testing. Allele origin: germline. Not counted in ClinVar's aggregate classification.